The following is an entry in ClinVar:

ClinVar aggregate classification (germline): Uncertain significance. Review status: criteria provided, multiple submitters, no conflicts (2 of 4 stars). 6 submissions from 6 submitters: Uncertain significance (6). Last evaluated 2025-09-22.

Conditions:
Hereditary cancer-predisposing syndrome. Also called: Tumor predisposition; Hereditary Cancer Syndrome; Neoplastic Syndromes, Hereditary; Hereditary neoplastic syndrome. Identifiers: Orphanet 140162, MedGen C0027672, MeSH D009386, MONDO:0015356.
Familial cancer of breast. Also called: hereditary breast carcinoma; BREAST CANCER, FAMILIAL; Hereditary breast cancer. Identifiers: Orphanet 227535, MedGen C0346153, MONDO:0016419, OMIM 114480. Disease mechanism: loss of function.
Ataxia-telangiectasia syndrome (AT). Also called: Ataxia telangiectasia (A-T); LOUIS-BAR SYNDROME; Cerebello-oculocutaneous telangiectasia; Immunodeficiency with ataxia telangiectasia; ATAXIA-TELANGIECTASIA, COMPLEMENTATION GROUP A; ATAXIA-TELANGIECTASIA, FRESNO VARIANT. Identifiers: Orphanet 100, MedGen C0004135, MONDO:0008840, OMIM 208900.

Submissions (6):

Labcorp Genetics (formerly Invitae), Labcorp
Classification: Uncertain significance for Ataxia-telangiectasia syndrome. Last evaluated: 2025-09-22. Review status: criteria provided, single submitter. Criteria: Invitae Variant Classification Sherloc (09022015). Collection method: clinical testing. Allele origin: germline.
Comment: This sequence change replaces histidine, which is basic and polar, with arginine, which is basic and polar, at codon 1802 of the ATM protein (p.His1802Arg). This variant is not present in population databases (gnomAD no frequency). This variant has not been reported in the literature in individuals affected with ATM-related conditions. ClinVar contains an entry for this variant (Variation ID: 236737). Invitae Evidence Modeling of protein sequence and biophysical properties (such as structural, functional, and spatial information, amino acid conservation, physicochemical variation, residue mobility, and thermodynamic stability) has been performed for this missense variant. However, the output from this modeling did not meet the statistical confidence thresholds required to predict the impact of this variant on ATM protein function. In summary, the available evidence is currently insufficient to determine the role of this variant in disease. Therefore, it has been classified as a Variant of Uncertain Significance.

CeGaT Center for Human Genetics Tuebingen
Classification: Uncertain significance. Last evaluated: 2025-01-01. Review status: criteria provided, single submitter. Criteria: CeGaT Center For Human Genetics Tuebingen Variant Classification Criteria Version 2. Collection method: clinical testing. Allele origin: germline. Affected: yes. Observed: 1 variant allele.
Comment: ATM: PM2, PP3

Baylor Genetics
Classification: Uncertain significance for Familial cancer of breast. Last evaluated: 2024-01-15. Review status: criteria provided, single submitter. Criteria: ACMG Guidelines, 2015. Collection method: clinical testing. Allele origin: unknown.

Ambry Genetics
Classification: Uncertain significance for Hereditary cancer-predisposing syndrome. Last evaluated: 2023-09-21. Review status: criteria provided, single submitter. Criteria: Ambry Variant Classification Scheme 2023. Collection method: clinical testing. Allele origin: germline.
Comment: The p.H1802R variant (also known as c.5405A>G), located in coding exon 35 of the ATM gene, results from an A to G substitution at nucleotide position 5405. The histidine at codon 1802 is replaced by arginine, an amino acid with highly similar properties. This alteration has been reported in at least one breast cancer patient in a study of 13087 breast cancer cases and 5488 control individuals in the UK (Decker B et al. J Med Genet, 2017 11;54:732-741). This amino acid position is highly conserved in available vertebrate species. In addition, this alteration is predicted to be deleterious by in silico analysis. Since supporting evidence is limited at this time, the clinical significance of this alteration remains unclear.

GeneDx
Classification: Uncertain significance. Last evaluated: 2023-01-30. Review status: criteria provided, single submitter. Criteria: GeneDx Variant Classification Process June 2021. Collection method: clinical testing. Allele origin: germline. Affected: yes.
Comment: Not observed at significant frequency in large population cohorts (gnomAD); In silico analysis supports that this missense variant has a deleterious effect on protein structure/function; Observed in an individual with breast cancer (Decker et al., 2017); This variant is associated with the following publications: (PMID: 28779002)

Color Diagnostics, LLC DBA Color Health
Classification: Uncertain significance for Hereditary cancer-predisposing syndrome. Last evaluated: 2019-01-15. Review status: criteria provided, single submitter. Criteria: ACMG Guidelines, 2015. Collection method: clinical testing. Allele origin: germline.

Literature cited by the submitters: PubMed 28779002 (cited by Ambry Genetics).

NM_000051.4(ATM):c.5405A>G (p.His1802Arg)

Gene: ATM (ATM serine/threonine kinase; plus strand). Cytogenetic location: 11q22.3.
Variant type: single nucleotide variant.
Coding change: c.5405A>G on transcript NM_000051.4 (MANE Select); coding-DNA position 5405, A replaced by G.
Protein change: p.His1802Arg; replaces histidine 1802 with arginine.
Molecular consequence: missense variant.
Genome position (GRCh38, 1-based): chr11:108,302,938, A>G. VCF-style: chr11-108302938-A-G. GRCh37 (hg19) VCF-style: chr11-108173665-A-G.
Other names: c.5405A>G, p.His1802Arg (NM_001351834.2); short protein forms H1802R.
Identifiers: ClinVar variation 236737 (VCV000236737.24), dbSNP rs878853521, ClinGen allele CA10582829.